The following is an entry in ClinVar:

ClinVar aggregate classification (germline): Uncertain significance (1 of 4 stars; one submission).

Conditions:
Immunoglobulin-mediated membranoproliferative glomerulonephritis. Also called: NEPHROTIC SYNDROME, TYPE 7, WITH MEMBRANOPROLIFERATIVE GLOMERULONEPHRITIS; Nephrotic syndrome, type 7. Identifiers: Orphanet 329903, MedGen C3554330, MONDO:0014005, OMIM 615008.

Submission:

3billion
Classification: Uncertain significance for Immunoglobulin-mediated membranoproliferative glomerulonephritis. Last evaluated: 2023-07-10. Review status: criteria provided, single submitter. Criteria: ACMG Guidelines, 2015. Collection method: clinical testing. Allele origin: germline. Affected: yes.
Comment: The variant is not observed in the gnomAD v2.1.1 dataset. Predicted Consequence/Location: Missense variant In silico tool predictions suggest damaging effect of the variant on gene or gene product (REVEL: 0.94). Therefore, this variant is classified as VUS according to the recommendation of ACMG/AMP guideline.

NM_003647.3(DGKE):c.323G>T (p.Cys108Phe)

Gene: DGKE (diacylglycerol kinase epsilon; plus strand). Cytogenetic location: 17q22.
Variant type: single nucleotide variant.
Coding change: c.323G>T on transcript NM_003647.3 (MANE Select); coding-DNA position 323, G replaced by T.
Protein change: p.Cys108Phe; replaces cysteine 108 with phenylalanine.
Molecular consequence: missense variant.
Genome position (GRCh38, 1-based): chr17:56,835,118, G>T. VCF-style: chr17-56835118-G-T. GRCh37 (hg19) VCF-style: chr17-54912479-G-T.
Other names: short protein forms C108F.
Identifiers: ClinVar variation 3775805 (VCV003775805.1).